The following is an entry in ClinVar:

ClinVar aggregate classification (germline): Uncertain significance (1 of 4 stars; one submission).

Conditions:
Diamond-Blackfan anemia. Also called: Blackfan Diamond syndrome; Aregenerative anemia chronic congenital; Red cell aplasia, pure hereditary; Congenital hypoplastic anemia; Aase syndrome. Identifiers: Orphanet 124, MedGen C1260899, MeSH D029503, MONDO:0015253, HP:0004810.
GATA binding protein 1 related thrombocytopenia with dyserythropoiesis. Also called: GATA1-Related Cytopenia; GATA1-Related X-Linked Cytopenia. Identifiers: MedGen C1845837, MONDO:0100089.

gnomAD v4.1: 1 of 1,202,692 alleles (0.000083%); highest among the groups gnomAD compares: Non-Finnish European, 0.00011%; no homozygotes.

Submission:

Labcorp Genetics (formerly Invitae), Labcorp
Classification: Uncertain significance for GATA binding protein 1 related thrombocytopenia with dyserythropoiesis; Diamond-Blackfan anemia. Last evaluated: 2026-01-08. Review status: criteria provided, single submitter. Criteria: Invitae Variant Classification Sherloc (09022015). Collection method: clinical testing. Allele origin: germline.
Comment: This sequence change replaces glycine, which is neutral and non-polar, with arginine, which is basic and polar, at codon 339 of the GATA1 protein (p.Gly339Arg). This variant is not present in population databases (gnomAD no frequency). This variant has not been reported in the literature in individuals affected with GATA1-related conditions. Invitae Evidence Modeling of protein sequence and biophysical properties (such as structural, functional, and spatial information, amino acid conservation, physicochemical variation, residue mobility, and thermodynamic stability) has been performed for this missense variant. However, the output from this modeling did not meet the statistical confidence thresholds required to predict the impact of this variant on GATA1 protein function. In summary, the available evidence is currently insufficient to determine the role of this variant in disease. Therefore, it has been classified as a Variant of Uncertain Significance.

NM_002049.4(GATA1):c.1015G>A (p.Gly339Arg)

Gene: GATA1 (GATA binding protein 1; plus strand). Cytogenetic location: Xp11.23.
Variant type: single nucleotide variant.
Coding change: c.1015G>A on transcript NM_002049.4 (MANE Select); coding-DNA position 1015, G replaced by A.
Protein change: p.Gly339Arg; replaces glycine 339 with arginine.
Molecular consequence: missense variant.
Genome position (GRCh38, 1-based): chrX:48,793,937, G>A. VCF-style: chrX-48793937-G-A. GRCh37 (hg19) VCF-style: chrX-48652344-G-A.
Other names: short protein forms G339R.
Identifiers: ClinVar variation 4790686 (VCV004790686.1).